The following is an entry in ClinVar:

ClinVar aggregate classification (germline): Likely pathogenic. Review status: criteria provided, multiple submitters, no conflicts (2 of 4 stars). 3 submissions from 3 submitters: Likely pathogenic (3). Last evaluated 2026-08-12.

Conditions:
Breast and/or ovarian cancer. Identifiers: MedGen CN221562.
Hereditary cancer-predisposing syndrome. Also called: Neoplastic Syndromes, Hereditary; Hereditary Cancer Syndrome; Hereditary neoplastic syndrome; Tumor predisposition. Identifiers: Orphanet 140162, MedGen C0027672, MeSH D009386, MONDO:0015356.

Submissions (3):

Ambry Genetics
Classification: Likely pathogenic for Hereditary cancer-predisposing syndrome. Last evaluated: 2026-08-12. Review status: criteria provided, single submitter. Criteria: Ambry Variant Classification Scheme 2023. Collection method: clinical testing. Allele origin: germline.
Comment: The c.2467-2A>G intronic variant results from an A to G substitution two nucleotides upstream from coding exon 16 in the ATM gene. This nucleotide position is well conserved in available vertebrate species. In silico splice site analysis predicts that this alteration will weaken the native splice acceptor site and will result in the creation or strengthening of a novel splice acceptor site. RNA studies have demonstrated that this variant results in abnormal splicing in the set of samples tested (Ambry internal data). This variant is considered to be rare based on population cohorts in the Genome Aggregation Database (gnomAD). Variants that disrupt the canonical splice site are expected to cause aberrant splicing, resulting in an abnormal protein or a transcript that is subject to nonsense-mediated mRNA decay. As such, this variant is classified as likely pathogenic.

CHEO Genetics Diagnostic Laboratory, Children's Hospital of Eastern Ontario
Classification: Likely pathogenic for Breast and/or ovarian cancer. Last evaluated: 2021-07-01. Review status: criteria provided, single submitter. Criteria: ACMG Guidelines, 2015. Collection method: clinical testing. Allele origin: germline.

Color Diagnostics, LLC DBA Color Health
Classification: Likely pathogenic for Hereditary cancer-predisposing syndrome. Last evaluated: 2020-04-21. Review status: criteria provided, single submitter. Criteria: ACMG Guidelines, 2015. Collection method: clinical testing. Allele origin: germline.
Comment: This variant causes an A to G nucleotide substitution at the -2 position of intron 16 of the ATM gene. Splice site prediction tools suggest that this variant may have a significant impact on RNA splicing. Although this prediction has not been confirmed in published RNA studies, this variant is expected to result in an absent or disrupted protein product. This variant has not been reported in individuals affected with hereditary cancer in the literature. This variant has not been identified in the general population by the Genome Aggregation Database (gnomAD). Loss of ATM function is a known mechanism of disease. Based on the available evidence, this variant is classified as Likely Pathogenic.

NM_000051.4(ATM):c.2467-2A>G

Gene: ATM (ATM serine/threonine kinase; plus strand). Cytogenetic location: 11q22.3.
Variant type: single nucleotide variant.
Coding change: c.2467-2A>G on transcript NM_000051.4 (MANE Select); the canonical splice acceptor site of the intron before coding-DNA position 2467, A replaced by G.
Molecular consequence: splice acceptor variant.
Genome position (GRCh38, 1-based): chr11:108,267,169, A>G. VCF-style: chr11-108267169-A-G. GRCh37 (hg19) VCF-style: chr11-108137896-A-G.
Other names: c.2467-2A>G (NM_001351834.2).
Identifiers: ClinVar variation 628917 (VCV000628917.7), dbSNP rs1555082050, ClinGen allele CA382543076.